The following is an entry in ClinVar:

ClinVar aggregate classification (germline): Uncertain significance. Review status: criteria provided, multiple submitters, no conflicts (2 of 4 stars). 3 submissions from 3 submitters: Uncertain significance (3). Last evaluated 2025-07-13.

Conditions:
Hereditary cancer-predisposing syndrome. Also called: Tumor predisposition; Hereditary Cancer Syndrome; Neoplastic Syndromes, Hereditary; Hereditary neoplastic syndrome. Identifiers: Orphanet 140162, MedGen C0027672, MeSH D009386, MONDO:0015356.
Tuberous sclerosis 2 (TSC2). Identifiers: Orphanet 805, MedGen C1860707, MONDO:0013199, OMIM 613254.

Allele frequency attached by ClinVar (database versions not stated): gnomAD exomes below 0.00001.
gnomAD v4.1: 1 of 1,612,094 alleles (0.000062%); highest among the groups gnomAD compares: Non-Finnish European, 0.000085%; no homozygotes.

Submissions (3):

Labcorp Genetics (formerly Invitae), Labcorp
Classification: Uncertain significance for Tuberous sclerosis 2. Last evaluated: 2025-07-13. Review status: criteria provided, single submitter. Criteria: Invitae Variant Classification Sherloc (09022015). Collection method: clinical testing. Allele origin: germline.
Comment: This sequence change replaces isoleucine, which is neutral and non-polar, with serine, which is neutral and polar, at codon 442 of the TSC2 protein (p.Ile442Ser). This variant is not present in population databases (gnomAD no frequency). This variant has not been reported in the literature in individuals affected with TSC2-related conditions. ClinVar contains an entry for this variant (Variation ID: 252492). Invitae Evidence Modeling of protein sequence and biophysical properties (such as structural, functional, and spatial information, amino acid conservation, physicochemical variation, residue mobility, and thermodynamic stability) indicates that this missense variant is not expected to disrupt TSC2 protein function with a negative predictive value of 95%. In summary, the available evidence is currently insufficient to determine the role of this variant in disease. Therefore, it has been classified as a Variant of Uncertain Significance.

Ambry Genetics
Classification: Uncertain significance for Hereditary cancer-predisposing syndrome. Last evaluated: 2023-12-01. Review status: criteria provided, single submitter. Criteria: Ambry Variant Classification Scheme 2023. Collection method: clinical testing. Allele origin: germline.
Comment: The p.I442S variant (also known as c.1325T>G), located in coding exon 12 of the TSC2 gene, results from a T to G substitution at nucleotide position 1325. The isoleucine at codon 442 is replaced by serine, an amino acid with dissimilar properties. This amino acid position is conserved. In addition, this alteration is predicted to be deleterious by in silico analysis. Since supporting evidence is limited at this time, the clinical significance of this alteration remains unclear.

Genomic Diagnostic Laboratory, Division of Genomic Diagnostics, Children's Hospital of Philadelphia
Classification: Uncertain significance for Tuberous sclerosis 2. Last evaluated: 2015-11-06. Review status: criteria provided, single submitter. Criteria: DGD Variant Analysis Guidelines. Collection method: clinical testing. Allele origin: unknown.

NM_000548.5(TSC2):c.1325T>G (p.Ile442Ser)

Gene: TSC2 (TSC complex subunit 2; plus strand). Cytogenetic location: 16p13.3.
Variant type: single nucleotide variant.
Coding change: c.1325T>G on transcript NM_000548.5 (MANE Select); coding-DNA position 1325, T replaced by G.
Protein change: p.Ile442Ser; replaces isoleucine 442 with serine.
Molecular consequence: missense variant.
Genome position (GRCh38, 1-based): chr16:2,062,564, T>G. VCF-style: chr16-2062564-T-G. GRCh37 (hg19) VCF-style: chr16-2112565-T-G.
Other names: c.1325T>G, p.Ile442Ser (NM_001077183.3, NM_001114382.3, NM_001363528.2 and 3 more transcripts); c.1214T>G, p.Ile405Ser (NM_001318827.2); c.1178T>G, p.Ile393Ser (NM_001318829.2); c.725T>G, p.Ile242Ser (NM_001318831.2); c.1358T>G, p.Ile453Ser (NM_001318832.2); short protein forms I442S, I405S, I453S, I242S, I393S.
Identifiers: ClinVar variation 252492 (VCV000252492.4), dbSNP rs879255344, ClinGen allele CA10586023.